The following is an entry in ClinVar:

NM_001184880.2(PCDH19):c.1825G>C (p.Glu609Gln)

Gene: PCDH19 (protocadherin 19; minus strand). Cytogenetic location: Xq22.1.
Variant type: single nucleotide variant.
Coding change: c.1825G>C on transcript NM_001184880.2 (MANE Select); coding-DNA position 1825, G replaced by C.
Protein change: p.Glu609Gln; replaces glutamic acid 609 with glutamine.
Molecular consequence: missense variant.
Genome position (GRCh38, 1-based): chrX:100,406,773, C>G on the plus strand (G>C on the coding strand, the complement: PCDH19 is on the minus strand). VCF-style: chrX-100406773-C-G. GRCh37 (hg19) VCF-style: chrX-99661771-C-G.
Other names: c.1825G>C, p.Glu609Gln (NM_001105243.2, NM_020766.3); short protein forms E609Q.
Identifiers: ClinVar variation 4767376 (VCV004767376.1).

ClinVar aggregate classification (germline): Uncertain significance (1 of 4 stars; one submission).

Conditions:
Developmental and epileptic encephalopathy, 9 (DEE9). Also called: Early infantile epileptic encephalopathy 9; EPILEPSY, FEMALE-RESTRICTED, WITH MENTAL RETARDATION; JUBERG-HELLMAN SYNDROME; PCDH19-Related X-Linked Female-Limited Epilepsy with Mental Retardation. Identifiers: Orphanet 101039, Orphanet 2076, MedGen C1848137, MONDO:0010246, OMIM 300088. Disease mechanism: loss of function.

Submission:

Labcorp Genetics (formerly Invitae), Labcorp
Classification: Uncertain significance for Developmental and epileptic encephalopathy, 9. Last evaluated: 2025-12-13. Review status: criteria provided, single submitter. Criteria: Invitae Variant Classification Sherloc (09022015). Collection method: clinical testing. Allele origin: germline.
Comment: This sequence change replaces glutamic acid, which is acidic and polar, with glutamine, which is neutral and polar, at codon 609 of the PCDH19 protein (p.Glu609Gln). This variant is not present in population databases (gnomAD no frequency). This variant has not been reported in the literature in individuals affected with PCDH19-related conditions. Invitae Evidence Modeling of protein sequence and biophysical properties (such as structural, functional, and spatial information, amino acid conservation, physicochemical variation, residue mobility, and thermodynamic stability) indicates that this missense variant is not expected to disrupt PCDH19 protein function with a negative predictive value of 95%. In summary, the available evidence is currently insufficient to determine the role of this variant in disease. Therefore, it has been classified as a Variant of Uncertain Significance.